The following is an entry in ClinVar:

NM_001846.4(COL4A2):c.1670-13A>G

Genes: COL4A2 (collagen type IV alpha 2 chain; plus strand), COL4A2-AS2 (COL4A2 antisense RNA 2; minus strand). Cytogenetic location: 13q34.
Variant type: single nucleotide variant.
Coding change: c.1670-13A>G on transcript NM_001846.4 (MANE Select); 13 bases into the intron before coding-DNA position 1670, A replaced by G.
Molecular consequence: intron variant.
Genome position (GRCh38, 1-based): chr13:110,462,265, A>G. VCF-style: chr13-110462265-A-G. GRCh37 (hg19) VCF-style: chr13-111114612-A-G.
Identifiers: ClinVar variation 2044696 (VCV002044696.4), dbSNP rs2502120598, ClinGen allele CA2580087158.

ClinVar aggregate classification (germline): Uncertain significance (1 of 4 stars; one submission).

Submission:

Labcorp Genetics (formerly Invitae), Labcorp
Classification: Uncertain significance. Last evaluated: 2022-06-25. Review status: criteria provided, single submitter. Criteria: Invitae Variant Classification Sherloc (09022015). Collection method: clinical testing. Allele origin: germline.
Comment: This variant has not been reported in the literature in individuals affected with COL4A2-related conditions. This variant is not present in population databases (gnomAD no frequency). This sequence change falls in intron 23 of the COL4A2 gene. It does not directly change the encoded amino acid sequence of the COL4A2 protein. Algorithms developed to predict the effect of sequence changes on RNA splicing suggest that this variant may create or strengthen a splice site. In summary, the available evidence is currently insufficient to determine the role of this variant in disease. Therefore, it has been classified as a Variant of Uncertain Significance.